The following is an entry in ClinVar:

NC_000015.10:g.73376991T>C

Genes: HCN4 (hyperpolarization activated cyclic nucleotide gated potassium channel 4; minus strand), LOC110121492 (VISTA enhancer hs2161; plus strand). Cytogenetic location: 15q24.1.
Variant type: single nucleotide variant.
Genome position: GRCh38 VCF-style: chr15-73376991-T-C. GRCh37 (hg19) VCF-style: chr15-73669332-T-C.
Identifiers: ClinVar variation 2645520 (VCV002645520.24), dbSNP rs577193195, ClinGen allele CA15859900.

ClinVar aggregate classification (germline): Likely benign (1 of 4 stars; one submission).

Allele frequency attached by ClinVar (database versions not stated): 1000 Genomes Project 0.00220; gnomAD 0.00386.

Submission:

CeGaT Center for Human Genetics Tuebingen
Classification: Likely benign. Last evaluated: 2023-04-01. Review status: criteria provided, single submitter. Criteria: CeGaT Center For Human Genetics Tuebingen Variant Classification Criteria Version 2. Collection method: clinical testing. Allele origin: germline. Affected: yes. Observed: 3 variant alleles.
Comment: HCN4: BS2